The following is an entry in ClinVar:

NM_177438.3(DICER1):c.3093+9T>G

Gene: DICER1 (dicer 1, ribonuclease III; minus strand). Cytogenetic location: 14q32.13.
Variant type: single nucleotide variant.
Coding change: c.3093+9T>G on transcript NM_177438.3 (MANE Select); 9 bases into the intron after coding-DNA position 3093, T replaced by G.
Molecular consequence: intron variant.
Genome position (GRCh38, 1-based): chr14:95,105,669, A>C on the plus strand (T>G on the coding strand, the complement: DICER1 is on the minus strand). VCF-style: chr14-95105669-A-C. GRCh37 (hg19) VCF-style: chr14-95572006-A-C.
Other names: c.3093+9T>G (NM_001291628.2, NM_030621.4, NM_001271282.3 and 1 more transcripts).
Identifiers: ClinVar variation 1007041 (VCV001007041.10), dbSNP rs759318408, ClinGen allele CA7331121.

ClinVar aggregate classification (germline): Uncertain significance (1 of 4 stars; one submission).

Conditions:
DICER1-related tumor predisposition. Also called: DICER1 syndrome; DICER1-related pleuropulmonary blastoma cancer predisposition syndrome. Identifiers: Orphanet 284343, MedGen C3839822, MONDO:0100216.

Allele frequency attached by ClinVar (database versions not stated): gnomAD exomes below 0.00001 and 0.00001; ExAC 0.00001.

Submission:

Labcorp Genetics (formerly Invitae), Labcorp
Classification: Uncertain significance for DICER1-related tumor predisposition. Last evaluated: 2024-04-02. Review status: criteria provided, single submitter. Criteria: Invitae Variant Classification Sherloc (09022015). Collection method: clinical testing. Allele origin: germline.
Comment: This sequence change falls in intron 19 of the DICER1 gene. It does not directly change the encoded amino acid sequence of the DICER1 protein. This variant is present in population databases (rs759318408, gnomAD 0.0009%). This variant has not been reported in the literature in individuals affected with DICER1-related conditions. ClinVar contains an entry for this variant (Variation ID: 1007041). Algorithms developed to predict the effect of sequence changes on RNA splicing suggest that this variant may create or strengthen a splice site. In summary, the available evidence is currently insufficient to determine the role of this variant in disease. Therefore, it has been classified as a Variant of Uncertain Significance.